The following is an entry in ClinVar:

NM_001287491.2(TET3):c.4214C>A (p.Thr1405Asn)

Gene: TET3 (tet methylcytosine dioxygenase 3; plus strand). Cytogenetic location: 2p13.1.
Variant type: single nucleotide variant.
Coding change: c.4214C>A on transcript NM_001287491.2 (MANE Select); coding-DNA position 4214, C replaced by A.
Protein change: p.Thr1405Asn; replaces threonine 1405 with asparagine.
Molecular consequence: missense variant.
Genome position (GRCh38, 1-based): chr2:74,101,002, C>A. VCF-style: chr2-74101002-C-A. GRCh37 (hg19) VCF-style: chr2-74328129-C-A.
Other names: c.3935C>A, p.Thr1312Asn (NM_001366022.1); c.3809C>A, p.Thr1270Asn (NM_144993.1); short protein forms T1405N, T1270N, T1312N.
Identifiers: ClinVar variation 2007790 (VCV002007790.4), dbSNP rs375597537, ClinGen allele CA347319100.
Genomic context (GRCh38, chr2:74,101,002, plus strand): 5'-TTGCCCAGAGCTCCAACTGCTACAACAGATCCATCAAGCAAGAGCCAGTAGACCCGCTGA[C>A]CCAGGCTGAGCCTGTGCCCAGAGACGCTGGCAAGATGGGCAAGACACCTCTGTCCGAGGT-3'
Protein context (NP_001274420.1, residues 1395-1415): SIKQEPVDPL[Thr1405Asn]QAEPVPRDAG

ClinVar aggregate classification (germline): Uncertain significance (1 of 4 stars; one submission).

Allele frequency attached by ClinVar (database versions not stated): gnomAD 0.00004.
gnomAD v4.1: 8 of 1,612,924 alleles (0.0005%); highest among the groups gnomAD compares: Admixed American, 0.012%; no homozygotes.

Submission:

Labcorp Genetics (formerly Invitae), Labcorp
Classification: Uncertain significance. Last evaluated: 2022-06-17. Review status: criteria provided, single submitter. Criteria: Invitae Variant Classification Sherloc (09022015). Collection method: clinical testing. Allele origin: germline.
Comment: In summary, the available evidence is currently insufficient to determine the role of this variant in disease. Therefore, it has been classified as a Variant of Uncertain Significance. Algorithms developed to predict the effect of missense changes on protein structure and function are either unavailable or do not agree on the potential impact of this missense change (SIFT: "Tolerated"; PolyPhen-2: "Not Available"; Align-GVGD: "Class C0"). This variant has not been reported in the literature in individuals affected with TET3-related conditions. This variant is present in population databases (no rsID available, gnomAD 0.003%). This sequence change replaces threonine, which is neutral and polar, with asparagine, which is neutral and polar, at codon 1405 of the TET3 protein (p.Thr1405Asn).